The following is an entry in ClinVar:

ClinVar aggregate classification (germline): Pathogenic/Likely pathogenic. Review status: criteria provided, multiple submitters, no conflicts (2 of 4 stars). 3 submissions from 3 submitters: Pathogenic (2); Likely pathogenic (1). Last evaluated 2025-04-23.

Conditions:
Ataxia-telangiectasia syndrome (AT). Also called: Cerebello-oculocutaneous telangiectasia; Immunodeficiency with ataxia telangiectasia; Ataxia-telangiectasia, complementation group E; Ataxia-telangiectasia, complementation group D; AT, COMPLEMENTATION GROUP C; ATAXIA-TELANGIECTASIA, COMPLEMENTATION GROUP A. Identifiers: Orphanet 100, MedGen C0004135, MONDO:0008840, OMIM 208900.
Hereditary cancer-predisposing syndrome. Also called: Hereditary Cancer Syndrome; Neoplastic Syndromes, Hereditary; Hereditary neoplastic syndrome; Tumor predisposition. Identifiers: Orphanet 140162, MedGen C0027672, MeSH D009386, MONDO:0015356.

Submissions (3):

Labcorp Genetics (formerly Invitae), Labcorp
Classification: Pathogenic for Ataxia-telangiectasia syndrome. Last evaluated: 2025-04-23. Review status: criteria provided, single submitter. Criteria: Invitae Variant Classification Sherloc (09022015). Collection method: clinical testing. Allele origin: germline.
Comment: This sequence change creates a premature translational stop signal (p.Val613Glufs*8) in the ATM gene. It is expected to result in an absent or disrupted protein product. Loss-of-function variants in ATM are known to be pathogenic (PMID: 23807571, 25614872). This variant is not present in population databases (gnomAD no frequency). This variant has not been reported in the literature in individuals affected with ATM-related conditions. For these reasons, this variant has been classified as Pathogenic.

Natera, Inc.
Classification: Likely pathogenic for Ataxia-telangiectasia. Last evaluated: 2024-11-15. Review status: criteria provided, single submitter. Criteria: Natera Variant Classification Schema (03/2026). Collection method: clinical testing. Allele origin: germline.
Comment: The c.1838_1839delTG variant in ATM is a frameshift variant predicted to shift the reading frame beginning at codon 613 and leads to a stop codon 8 codons downstream. This variant is expected to result in nonsense mediated decay, truncation, or a dysfunctional protein product. This variant is rare in the general population with a frequency below the threshold expected for the associated phenotype(s). Given the available evidence, this variant is classified as Likely Pathogenic.

Ambry Genetics
Classification: Pathogenic for Hereditary cancer-predisposing syndrome. Last evaluated: 2024-10-24. Review status: criteria provided, single submitter. Criteria: Ambry Variant Classification Scheme 2023. Collection method: clinical testing. Allele origin: germline.
Comment: The c.1838_1839delTG pathogenic mutation, located in coding exon 11 of the ATM gene, results from a deletion of two nucleotides at nucleotide positions 1838 to 1839, causing a translational frameshift with a predicted alternate stop codon (p.V613Efs*8). This alteration is expected to result in loss of function by premature protein truncation or nonsense-mediated mRNA decay. In addition, this variant is considered to be rare based on population cohorts in the Genome Aggregation Database (gnomAD). As such, this alteration is interpreted as a disease-causing mutation.

Literature cited by the submitters: PubMed 23807571 (cited by Labcorp Genetics (formerly Invitae), Labcorp); PubMed 25614872 (cited by Labcorp Genetics (formerly Invitae), Labcorp).

NM_000051.4(ATM):c.1838_1839del (p.Val613fs)

Gene: ATM (ATM serine/threonine kinase; plus strand). Cytogenetic location: 11q22.3.
Variant type: Microsatellite.
Coding change: c.1838_1839del on transcript NM_000051.4 (MANE Select); coding-DNA positions 1838 to 1839, 2 bases deleted (TG; older notation c.1838_1839delTG).
Protein change: p.Val613fs; shifts the reading frame from valine 613.
Molecular consequence: frameshift variant.
Genome position (GRCh38, 1-based): chr11:108,252,852-108,252,853, TG deleted; deleting any 2 consecutive bases within chr11:108,252,850-108,252,853 gives the same sequence; the c. name uses the placement nearest the transcript's 3' end. VCF-style (leftmost placement, unchanged base first): chr11-108252849-TTG-T. GRCh37 (hg19) VCF-style: chr11-108123576-TTG-T.
Other names: c.1838_1839del, p.Val613fs (NM_001351834.2); short protein forms V613fs.
Identifiers: ClinVar variation 820138 (VCV000820138.12), dbSNP rs1591530854, ClinGen allele CA915948355.
Genomic context (GRCh38, chr11:108,252,849, plus strand): 5'-AAGTGAAGCTTTTTGTTTTTCTTTGTAGTAATTTTCCTCATCTTGTACTGGAGAAAATTC[TTG>T]TGAGTCTCACTATGAAAAACTGTAAAGCTGCAATGAATTTTTTCCAAAGCGTGCCAGAAT-3'